The following is an entry in ClinVar:

ClinVar aggregate classification (germline): Pathogenic (1 of 4 stars; one submission).

Submission:

Labcorp Genetics (formerly Invitae), Labcorp
Classification: Pathogenic. Last evaluated: 2022-08-02. Review status: criteria provided, single submitter. Criteria: Invitae Variant Classification Sherloc (09022015). Collection method: clinical testing. Allele origin: germline.
Comment: This sequence change creates a premature translational stop signal (p.Asn924Lysfs*35) in the CUL7 gene. It is expected to result in an absent or disrupted protein product. Loss-of-function variants in CUL7 are known to be pathogenic (PMID: 16142236, 17675530, 19225462). This variant is not present in population databases (gnomAD no frequency). This variant has not been reported in the literature in individuals affected with CUL7-related conditions. For these reasons, this variant has been classified as Pathogenic.

Literature cited by the submitters: PubMed 16142236; PubMed 17675530; PubMed 19225462.

NM_014780.5(CUL7):c.2771dup (p.Asn924fs)

Gene: CUL7 (cullin 7; minus strand). Cytogenetic location: 6p21.1.
Variant type: Duplication.
Coding change: c.2771dup on transcript NM_014780.5 (MANE Select); coding-DNA position 2771, one base duplicated (A; older notation c.2771dupA).
Protein change: p.Asn924fs; shifts the reading frame from asparagine 924.
Molecular consequence: frameshift variant.
Genome position (GRCh38, 1-based): chr6:43,045,678, T duplicated on the plus strand (A on the coding strand, the reverse complement: CUL7 is on the minus strand); the first of 2 consecutive T bases (chr6:43,045,678-43,045,679); duplicating either gives the same sequence. VCF-style (leftmost placement, unchanged base first): chr6-43045677-A-AT. GRCh37 (hg19) VCF-style: chr6-43013415-A-AT.
Other names: c.2867dup, p.Asn956fs (NM_001168370.2, NM_001374872.1); c.2771dup, p.Asn924fs (NM_001374873.1, NM_001374874.1); short protein forms N956fs, N924fs.
Identifiers: ClinVar variation 2021135 (VCV002021135.4), dbSNP rs2532661114, ClinGen allele CA2580074576.